The following is an entry in ClinVar:

ClinVar aggregate classification (germline): Likely benign. Review status: criteria provided, multiple submitters, no conflicts (2 of 4 stars). 2 submissions from 2 submitters: Likely benign (2). Last evaluated 2017-04-27.

Conditions:
Isolated microphthalmia 3 (MCOPS16). Also called: MICROPHTHALMIA, SYNDROMIC 16. Identifiers: Orphanet 2542, MedGen C5774181, MONDO:0012604, OMIM 611038.

Allele frequency attached by ClinVar (database versions not stated): gnomAD exomes 0.16667; 1000 Genomes Project 0.21066; 1000 Genomes Project 30x 0.21237; TOPMed 0.24225; gnomAD 0.24683 and 0.24863.
gnomAD v4.1: 37,722 of 152,176 alleles (25%); highest among the groups gnomAD compares: Non-Finnish European, 30%; 5,003 homozygotes.

Submissions (2):

Illumina Laboratory Services, Illumina
Classification: Likely benign for Isolated microphthalmia 3. Last evaluated: 2017-04-27. Review status: criteria provided, single submitter. Criteria: ICSL Variant Classification Criteria 13 December 2019. Collection method: clinical testing. Allele origin: germline.
Comment: This variant was observed as part of a predisposition screen in an ostensibly healthy population. A literature search was performed for the gene, cDNA change, and amino acid change (where applicable). No publications were found based on this search. Allele frequency data from public databases allowed determination this variant is unlikely to cause disease. Therefore, this variant is classified as likely benign.

Breakthrough Genomics
Classification: Likely benign. Review status: criteria provided, single submitter. Criteria: ACMG Guidelines, 2015. Collection method: not provided. Allele origin: germline. Inheritance: Autosomal recessive inheritance. Affected: yes.

NM_013435.3(RAX):c.*1878T>C

Gene: RAX (retina and anterior neural fold homeobox; minus strand). Cytogenetic location: 18q21.32.
Variant type: single nucleotide variant.
Coding change: c.*1878T>C on transcript NM_013435.3 (MANE Select); 1878 bases downstream of the stop codon, T replaced by C.
Molecular consequence: 3 prime UTR variant.
Genome position (GRCh38, 1-based): chr18:59,267,126, A>G on the plus strand (T>C on the coding strand, the complement: RAX is on the minus strand). VCF-style: chr18-59267126-A-G. GRCh37 (hg19) VCF-style: chr18-56934358-A-G.
Identifiers: ClinVar variation 327501 (VCV000327501.6), dbSNP rs9947104, ClinGen allele CA10647957.